The following is an entry in ClinVar:

NM_000122.2(ERCC3):c.1996G>A (p.Asp666Asn)

Gene: ERCC3 (ERCC excision repair 3, TFIIH core complex helicase subunit; minus strand). Cytogenetic location: 2q14.3.
Variant type: single nucleotide variant.
Coding change: c.1996G>A on transcript NM_000122.2 (MANE Select); coding-DNA position 1996, G replaced by A.
Protein change: p.Asp666Asn; replaces aspartic acid 666 with asparagine.
Molecular consequence: missense variant.
Genome position (GRCh38, 1-based): chr2:127,261,296, C>T on the plus strand (G>A on the coding strand, the complement: ERCC3 is on the minus strand). VCF-style: chr2-127261296-C-T. GRCh37 (hg19) VCF-style: chr2-128018872-C-T.
Other names: c.1804G>A, p.Asp602Asn (NM_001303416.2, NM_001303418.2); short protein forms D666N, D602N.
Identifiers: ClinVar variation 134119 (VCV000134119.6), dbSNP rs587778275, ClinGen allele CA158824.
Genomic context (GRCh38, chr2:127,261,296, plus strand): 5'-TATAACCTTGATCTACCAAGAATCTCTGCCGCTTGGTTGAGTAAGCCATTTCCTGTGTGT[C>T]CTGGGATACCAGTGAGTAGAAAAAGGCATTGTACTCTTCTGCAACCATCCCTGCAGGAAA-3'
Protein context (NP_000113.1, residues 656-676): NAFFYSLVSQ[Asp666Asn]TQEMAYSTKR

ClinVar aggregate classification (germline): Uncertain significance. Review status: criteria provided, multiple submitters, no conflicts (2 of 4 stars). 4 submissions from 4 submitters: Uncertain significance (3). 1 of the submissions does not count toward it. Last evaluated 2025-01-28.

Conditions:
Trichothiodystrophy 2, photosensitive (TTD2). Identifiers: Orphanet 33364, MedGen C4225344, MONDO:0014615, OMIM 616390.
Inborn genetic diseases. Identifiers: MedGen C0950123, MeSH D030342.

Allele frequency attached by ClinVar (database versions not stated): gnomAD 0.00001; TOPMed 0.00001; gnomAD exomes 0.00004 and 0.00008; ExAC 0.00009.
gnomAD v4.1: 23 of 1,613,648 alleles (0.0014%); highest among the groups gnomAD compares: Admixed American, 0.038%; no homozygotes.

Submissions (4):

Labcorp Genetics (formerly Invitae), Labcorp
Classification: Uncertain significance. Last evaluated: 2025-01-28. Review status: criteria provided, single submitter. Criteria: Invitae Variant Classification Sherloc (09022015). Collection method: clinical testing. Allele origin: germline.
Comment: This sequence change replaces aspartic acid, which is acidic and polar, with asparagine, which is neutral and polar, at codon 666 of the ERCC3 protein (p.Asp666Asn). This variant is present in population databases (rs587778275, gnomAD 0.06%). This variant has not been reported in the literature in individuals affected with ERCC3-related conditions. ClinVar contains an entry for this variant (Variation ID: 134119). Invitae Evidence Modeling of protein sequence and biophysical properties (such as structural, functional, and spatial information, amino acid conservation, physicochemical variation, residue mobility, and thermodynamic stability) indicates that this missense variant is not expected to disrupt ERCC3 protein function with a negative predictive value of 80%. In summary, the available evidence is currently insufficient to determine the role of this variant in disease. Therefore, it has been classified as a Variant of Uncertain Significance.

Ambry Genetics
Classification: Uncertain significance for Inborn genetic diseases. Last evaluated: 2021-10-12. Review status: criteria provided, single submitter. Criteria: Ambry Variant Classification Scheme 2023. Collection method: clinical testing. Allele origin: germline.

Baylor Genetics
Classification: Uncertain significance for Trichothiodystrophy 2, photosensitive. Last evaluated: 2021-04-29. Review status: criteria provided, single submitter. Criteria: ACMG Guidelines, 2015. Collection method: clinical testing. Allele origin: unknown. Affected: yes. Study: CSER-TexasKidsCanSeq.
Comment: This variant was determined to be of uncertain significance according to ACMG Guidelines, 2015 [PMID:25741868].

ITMI
No classification provided. Condition: AllHighlyPenetrant. Last evaluated: 2013-09-19. Review status: no classification provided. Collection method: reference population. Allele origin: germline. Not counted in ClinVar's aggregate classification.
Comment: Please see associated publication for description of ethnicities

Literature cited by the submitters: PubMed 24728327 (cited by ITMI).